The following is an entry in ClinVar:

ClinVar aggregate classification (germline): Uncertain significance (1 of 4 stars; one submission).

Allele frequency attached by ClinVar (database versions not stated): gnomAD 0.00002; TOPMed 0.00003; ExAC 0.00007.
gnomAD v4.1: 61 of 1,613,476 alleles (0.0038%); highest among the groups gnomAD compares: South Asian, 0.0088%; no homozygotes.

Submission:

Athena Diagnostics
Classification: Uncertain significance. Last evaluated: 2023-08-23. Review status: criteria provided, single submitter. Criteria: Athena Diagnostics Criteria. Collection method: clinical testing. Allele origin: unknown.
Comment: Available data are insufficient to determine the clinical significance of the variant at this time. The frequency of this variant in the general population is higher than would generally be expected for pathogenic variants in this gene. Computational tools yielded predictions that this variant may interfere with normal RNA splicing.

NM_001961.4(EEF2):c.1011+5G>A

Gene: EEF2 (eukaryotic translation elongation factor 2; minus strand). Cytogenetic location: 19p13.3.
Variant type: single nucleotide variant.
Coding change: c.1011+5G>A on transcript NM_001961.4 (MANE Select); 5 bases into the intron after coding-DNA position 1011, G replaced by A.
Molecular consequence: intron variant.
Genome position (GRCh38, 1-based): chr19:3,981,334, C>T on the plus strand (G>A on the coding strand, the complement: EEF2 is on the minus strand). VCF-style: chr19-3981334-C-T. GRCh37 (hg19) VCF-style: chr19-3981332-C-T.
Identifiers: ClinVar variation 2684181 (VCV002684181.1), dbSNP rs770699529, ClinGen allele CA9089059.